The following is an entry in ClinVar:

ClinVar aggregate classification (germline): Pathogenic (1 of 4 stars; one submission).

Conditions:
Propionic acidemia (PROP). Also called: GLYCINEMIA, KETOTIC; HYPERGLYCINEMIA WITH KETOACIDOSIS AND LEUKOPENIA; KETOTIC HYPERGLYCINEMIA. Identifiers: Orphanet 35, MedGen C0268579, MONDO:0011628, OMIM 606054, HP:0003571.

Submission:

Labcorp Genetics (formerly Invitae), Labcorp
Classification: Pathogenic for Propionic acidemia. Last evaluated: 2019-11-28. Review status: criteria provided, single submitter. Criteria: Invitae Variant Classification Sherloc (09022015). Collection method: clinical testing. Allele origin: germline.
Comment: This sequence change creates a premature translational stop signal (p.Gln52Profs*5) in the PCCB gene. It is expected to result in an absent or disrupted protein product. This variant is not present in population databases (ExAC no frequency). This variant has not been reported in the literature in individuals with PCCB-related conditions. Loss-of-function variants in PCCB are known to be pathogenic (PMID: 15464417). For these reasons, this variant has been classified as Pathogenic.

Literature cited by the submitters: PubMed 15464417.

NM_000532.5(PCCB):c.152dup (p.Gln52fs)

Gene: PCCB (propionyl-CoA carboxylase subunit beta; plus strand). Cytogenetic location: 3q22.3.
Variant type: Duplication.
Coding change: c.152dup on transcript NM_000532.5 (MANE Select); coding-DNA position 152, one base duplicated (G; older notation c.152dupG).
Protein change: p.Gln52fs; shifts the reading frame from glutamine 52.
Molecular consequence: frameshift variant.
Genome position (GRCh38, 1-based): chr3:136,250,527, G duplicated; the last of 5 consecutive G bases (chr3:136,250,523-136,250,527); duplicating any one gives the same sequence. VCF-style (leftmost placement, unchanged base first): chr3-136250522-A-AG. GRCh37 (hg19) VCF-style: chr3-135969364-A-AG.
Other names: c.152dup, p.Gln52fs (NM_001178014.2); short protein forms Q52fs.
Identifiers: ClinVar variation 838787 (VCV000838787.7), dbSNP rs1941483338, ClinGen allele CA916082608.